The following is an entry in ClinVar:

NM_018979.4(WNK1):c.3761C>T (p.Ala1254Val)

Gene: WNK1 (WNK lysine deficient protein kinase 1; plus strand). Cytogenetic location: 12p13.33.
Variant type: single nucleotide variant.
Coding change: c.3761C>T on transcript NM_018979.4 (MANE Select); coding-DNA position 3761, C replaced by T.
Protein change: p.Ala1254Val; replaces alanine 1254 with valine.
Molecular consequence: missense variant.
Genome position (GRCh38, 1-based): chr12:884,160, C>T. VCF-style: chr12-884160-C-T. GRCh37 (hg19) VCF-style: chr12-993326-C-T.
Other names: c.4541C>T, p.Ala1514Val (NM_001184985.2); c.3020C>T, p.Ala1007Val (NM_014823.3); c.4517C>T, p.Ala1506Val (NM_213655.5); short protein forms A1514V, A1254V, A1506V, A1007V.
Identifiers: ClinVar variation 2936730 (VCV002936730.3), dbSNP rs2154083525, ClinGen allele CA383329833.
Genomic context (GRCh38, chr12:884,160, plus strand): 5'-TGTTTGTTTGTTTTTGACCAGGCATTCCTACCAGTTCTTTAACTCAAGTTGTTCATTCTG[C>T]GGGAAGGCGGTTTATAGTGAGTCCTGTGCCAGAAAGCCGATTACGAGAATCAAAAGTTTT-3'
Protein context (NP_061852.3, residues 1244-1264): TSSLTQVVHS[Ala1254Val]GRRFIVSPVP

ClinVar aggregate classification (germline): Uncertain significance (1 of 4 stars; one submission).

Conditions:
Neuropathy, hereditary sensory and autonomic, type 2A (HSAN2A). Also called: ACROOSTEOLYSIS, GIACCAI TYPE; ACROOSTEOLYSIS, NEUROGENIC; MORVAN DISEASE; NEUROPATHY, CONGENITAL SENSORY; NEUROPATHY, HEREDITARY SENSORY RADICULAR, AUTOSOMAL RECESSIVE; NEUROPATHY, HEREDITARY SENSORY, TYPE IIA. Identifiers: Orphanet 970, MedGen C2752089, MONDO:0024309, OMIM 201300.
Pseudohypoaldosteronism type 2C (PHA2C). Also called: Pseudohypoaldosteronism Type IIC. Identifiers: Orphanet 757, Orphanet 88940, MedGen C1840391, MONDO:0013778, OMIM 614492.

Allele frequency attached by ClinVar (database versions not stated): gnomAD exomes below 0.00001.
gnomAD v4.1: 1 of 1,614,086 alleles (0.000062%); highest among the groups gnomAD compares: Non-Finnish European, 0.000085%; no homozygotes.

Submission:

Labcorp Genetics (formerly Invitae), Labcorp
Classification: Uncertain significance for Neuropathy, hereditary sensory and autonomic, type 2A; Pseudohypoaldosteronism type 2C. Last evaluated: 2022-10-26. Review status: criteria provided, single submitter. Criteria: Invitae Variant Classification Sherloc (09022015). Collection method: clinical testing. Allele origin: germline.
Comment: In summary, the available evidence is currently insufficient to determine the role of this variant in disease. Therefore, it has been classified as a Variant of Uncertain Significance. Advanced modeling of protein sequence and biophysical properties (such as structural, functional, and spatial information, amino acid conservation, physicochemical variation, residue mobility, and thermodynamic stability) performed at Invitae indicates that this missense variant is not expected to disrupt WNK1 protein function. This variant has not been reported in the literature in individuals affected with WNK1-related conditions. This variant is not present in population databases (gnomAD no frequency). This sequence change replaces alanine, which is neutral and non-polar, with valine, which is neutral and non-polar, at codon 1506 of the WNK1 protein (p.Ala1506Val).